The following is an entry in ClinVar:

ClinVar aggregate classification (germline): Uncertain significance (1 of 4 stars; one submission).

Conditions:
Familial adenomatous polyposis 1 (FAP1). Also called: FAMILIAL ADENOMATOUS POLYPOSIS 1, ATTENUATED; POLYPOSIS, ADENOMATOUS INTESTINAL. Identifiers: MedGen C2713442, MONDO:0021056, OMIM 175100. Disease mechanism: loss of function.

Allele frequency attached by ClinVar (database versions not stated): gnomAD exomes below 0.00001.
gnomAD v4.1: 1 of 1,614,188 alleles (0.000062%); highest among the groups gnomAD compares: Non-Finnish European, 0.000085%; no homozygotes.

Submission:

Labcorp Genetics (formerly Invitae), Labcorp
Classification: Uncertain significance for Familial adenomatous polyposis 1. Last evaluated: 2019-07-18. Review status: criteria provided, single submitter. Criteria: Invitae Variant Classification Sherloc (09022015). Collection method: clinical testing. Allele origin: germline.
Comment: Algorithms developed to predict the effect of missense changes on protein structure and function are either unavailable or do not agree on the potential impact of this missense change (SIFT: "Deleterious"; PolyPhen-2: "Benign"; Align-GVGD: "Class C0"). In summary, the available evidence is currently insufficient to determine the role of this variant in disease. Therefore, it has been classified as a Variant of Uncertain Significance. This variant has not been reported in the literature in individuals with APC-related conditions. This variant is not present in population databases (ExAC no frequency). This sequence change replaces isoleucine with phenylalanine at codon 880 of the APC protein (p.Ile880Phe). The isoleucine residue is moderately conserved and there is a small physicochemical difference between isoleucine and phenylalanine.

NM_000038.6(APC):c.2638A>T (p.Ile880Phe)

Gene: APC (APC regulator of Wnt signaling pathway; plus strand). Cytogenetic location: 5q22.2.
Variant type: single nucleotide variant.
Coding change: c.2638A>T on transcript NM_000038.6 (MANE Select); coding-DNA position 2638, A replaced by T.
Protein change: p.Ile880Phe; replaces isoleucine 880 with phenylalanine.
Molecular consequence: missense variant.
Genome position (GRCh38, 1-based): chr5:112,838,232, A>T. VCF-style: chr5-112838232-A-T. GRCh37 (hg19) VCF-style: chr5-112173929-A-T.
Other names: c.2638A>T, p.Ile880Phe (NM_001127510.3, NM_001354895.2); c.2584A>T, p.Ile862Phe (NM_001127511.3); c.2692A>T, p.Ile898Phe (NM_001354896.2); c.2668A>T, p.Ile890Phe (NM_001354897.2); c.2563A>T, p.Ile855Phe (NM_001354898.2); c.2554A>T, p.Ile852Phe (NM_001354899.2); c.2515A>T, p.Ile839Phe (NM_001354900.2); c.2461A>T, p.Ile821Phe (NM_001354901.2); and 5 more; short protein forms I779F, I852F, I855F, I862F, I597F, I789F, I821F, I880F.
Identifiers: ClinVar variation 963147 (VCV000963147.11), dbSNP rs1765231973, ClinGen allele CA16027101.